The following is an entry in ClinVar:

NM_006208.3(ENPP1):c.556+6G>C

Gene: ENPP1 (ectonucleotide pyrophosphatase/phosphodiesterase 1; plus strand). Cytogenetic location: 6q23.2.
Variant type: single nucleotide variant.
Coding change: c.556+6G>C on transcript NM_006208.3 (MANE Select); 6 bases into the intron after coding-DNA position 556, G replaced by C.
Molecular consequence: intron variant.
Genome position (GRCh38, 1-based): chr6:131,851,273, G>C. VCF-style: chr6-131851273-G-C. GRCh37 (hg19) VCF-style: chr6-132172413-G-C.
Identifiers: ClinVar variation 3664519 (VCV003664519.2).

ClinVar aggregate classification (germline): Uncertain significance (1 of 4 stars; one submission).

gnomAD v4.1: 7 of 1,614,060 alleles (0.00043%); highest among the groups gnomAD compares: South Asian, 0.0055%; no homozygotes.

Submission:

Labcorp Genetics (formerly Invitae), Labcorp
Classification: Uncertain significance. Last evaluated: 2024-06-12. Review status: criteria provided, single submitter. Criteria: Invitae Variant Classification Sherloc (09022015). Collection method: clinical testing. Allele origin: germline.
Comment: This sequence change falls in intron 4 of the ENPP1 gene. It does not directly change the encoded amino acid sequence of the ENPP1 protein. It affects a nucleotide within the consensus splice site. This variant is not present in population databases (gnomAD no frequency). This variant has not been reported in the literature in individuals affected with ENPP1-related conditions. Variants that disrupt the consensus splice site are a relatively common cause of aberrant splicing (PMID: 17576681, 9536098). Algorithms developed to predict the effect of sequence changes on RNA splicing suggest that this variant is not likely to affect RNA splicing. In summary, the available evidence is currently insufficient to determine the role of this variant in disease. Therefore, it has been classified as a Variant of Uncertain Significance.

Literature cited by the submitters: PubMed 17576681; PubMed 9536098.